The following is an entry in ClinVar:

NM_017849.4(TMEM127):c.525T>C (p.Val175=)

Gene: TMEM127 (transmembrane protein 127; minus strand). Cytogenetic location: 2q11.2.
Variant type: single nucleotide variant.
Coding change: c.525T>C on transcript NM_017849.4 (MANE Select); coding-DNA position 525, T replaced by C.
Protein change: p.Val175=; no amino-acid change (valine 175 retained).
Molecular consequence: synonymous variant.
Genome position (GRCh38, 1-based): chr2:96,254,000, A>G on the plus strand (T>C on the coding strand, the complement: TMEM127 is on the minus strand). VCF-style: chr2-96254000-A-G. GRCh37 (hg19) VCF-style: chr2-96919738-A-G.
Other names: c.525T>C, p.Val175= (NM_001193304.3); c.273T>C, p.Val91= (NM_001407282.1, NM_001407283.1).
Identifiers: ClinVar variation 5042133 (VCV005042133.1).

ClinVar aggregate classification (germline): Benign (1 of 4 stars; one submission).

Conditions:
Hereditary pheochromocytoma and paraganglioma. Also called: Hereditary Paraganglioma-Pheochromocytoma Syndromes; Hereditary paragangliomas and pheochromocytomas; Hereditary pheochromocytoma-paraganglioma. Identifiers: Orphanet 29072, MedGen C4274332, MONDO:0017366.

Submission:

Myriad Genetics, Inc.
Classification: Benign for Hereditary pheochromocytoma and paraganglioma. Last evaluated: 2026-07-30. Review status: criteria provided, single submitter. Criteria: Myriad Autosomal Dominant, Autosomal Recessive and X-Linked Classification Criteria (2023). Collection method: clinical testing. Allele origin: unknown.
Comment: This variant is considered benign. This variant is a silent/synonymous amino acid change and it is not expected to impact splicing.